The following is an entry in ClinVar:

ClinVar aggregate classification (germline): Uncertain significance. Review status: criteria provided, multiple submitters, no conflicts (2 of 4 stars). 5 submissions from 5 submitters: Uncertain significance (5). Last evaluated 2025-12-21.

Conditions:
ABCC6-related disorder. Also called: ABCC6-related condition.
Inborn genetic diseases. Identifiers: MedGen C0950123, MeSH D030342.
Autosomal recessive inherited pseudoxanthoma elasticum (PXE). Identifiers: Orphanet 758, MedGen CN032334, MONDO:0009925, OMIM 264800.
Arterial calcification, generalized, of infancy, 2. Identifiers: Orphanet 51608, MedGen C3276161, MONDO:0013768, OMIM 614473.
Pseudoxanthoma elasticum, forme fruste. Also called: PSEUDOXANTHOMA ELASTICUM, HETEROZYGOUS; Pseudoxanthoma Elasticum, Incomplete. Identifiers: Orphanet 758, MedGen C1867450, MONDO:0008333, OMIM 177850.

Allele frequency attached by ClinVar (database versions not stated): gnomAD 0.00002 and 0.00003; ExAC 0.00005; TOPMed 0.00008.
gnomAD v4.1: 69 of 1,613,716 alleles (0.0043%); highest among the groups gnomAD compares: Admixed American, 0.022%; no homozygotes.

Submissions (5):

PreventionGenetics, part of Exact Sciences
Classification: Uncertain significance for ABCC6-related condition. Last evaluated: 2025-12-21. Review status: criteria provided, single submitter. Criteria: ACMG Guidelines, 2015. Collection method: clinical testing. Allele origin: germline.
Comment: The ABCC6 c.2237T>C variant is predicted to result in the amino acid substitution p.Ile746Thr. To our knowledge, this variant has not been reported in the literature. This variant is present in 0.017% of alleles in individuals of Latino descent in gnomAD. At this time, the clinical significance of this variant is uncertain due to the absence of conclusive functional and genetic evidence.

Ambry Genetics
Classification: Uncertain significance for Inborn genetic diseases. Last evaluated: 2025-10-07. Review status: criteria provided, single submitter. Criteria: Ambry Variant Classification Scheme 2023. Collection method: clinical testing. Allele origin: germline.

Labcorp Genetics (formerly Invitae), Labcorp
Classification: Uncertain significance. Last evaluated: 2025-01-27. Review status: criteria provided, single submitter. Criteria: Invitae Variant Classification Sherloc (09022015). Collection method: clinical testing. Allele origin: germline.
Comment: This sequence change replaces isoleucine, which is neutral and non-polar, with threonine, which is neutral and polar, at codon 746 of the ABCC6 protein (p.Ile746Thr). This variant is present in population databases (rs769753486, gnomAD 0.02%). This variant has not been reported in the literature in individuals affected with ABCC6-related conditions. ClinVar contains an entry for this variant (Variation ID: 1033353). Invitae Evidence Modeling of protein sequence and biophysical properties (such as structural, functional, and spatial information, amino acid conservation, physicochemical variation, residue mobility, and thermodynamic stability) indicates that this missense variant is expected to disrupt ABCC6 protein function with a positive predictive value of 95%. In summary, the available evidence is currently insufficient to determine the role of this variant in disease. Therefore, it has been classified as a Variant of Uncertain Significance.

Fulgent Genetics
Classification: Uncertain significance for Pseudoxanthoma elasticum, forme fruste; Autosomal recessive inherited pseudoxanthoma elasticum; Arterial calcification, generalized, of infancy, 2. Last evaluated: 2021-08-05. Review status: criteria provided, single submitter. Criteria: ACMG Guidelines, 2015. Collection method: clinical testing. Allele origin: unknown.

Baylor Genetics
Classification: Uncertain significance for Autosomal recessive inherited pseudoxanthoma elasticum. Last evaluated: 2018-05-30. Review status: criteria provided, single submitter. Criteria: ACMG Guidelines, 2015. Collection method: clinical testing. Allele origin: paternal. Affected: yes.
Comment: This variant was determined to be of uncertain significance according to ACMG Guidelines, 2015 [PMID:25741868].

NM_001171.6(ABCC6):c.2237T>C (p.Ile746Thr)

Gene: ABCC6 (ATP binding cassette subfamily C member 6; minus strand). Cytogenetic location: 16p13.11.
Variant type: single nucleotide variant.
Coding change: c.2237T>C on transcript NM_001171.6 (MANE Select); coding-DNA position 2237, T replaced by C.
Protein change: p.Ile746Thr; replaces isoleucine 746 with threonine.
Molecular consequence: missense variant. On other transcripts: non-coding transcript variant (1).
Genome position (GRCh38, 1-based): chr16:16,182,422, A>G on the plus strand (T>C on the coding strand, the complement: ABCC6 is on the minus strand). VCF-style: chr16-16182422-A-G. GRCh37 (hg19) VCF-style: chr16-16276279-A-G.
Other names: c.1895T>C, p.Ile632Thr (NM_001351800.1); short protein forms I632T, I746T.
Identifiers: ClinVar variation 1033353 (VCV001033353.9), dbSNP rs769753486, ClinGen allele CA7925985.